The following is an entry in ClinVar:

ClinVar aggregate classification (germline): Pathogenic (1 of 4 stars; one submission).

Conditions:
Myopathy caused by variation in FKTN. Identifiers: MedGen CN305638, MONDO:0700067.

Submission:

Myriad Genetics, Inc.
Classification: Pathogenic for Myopathy caused by variation in FKTN. Last evaluated: 2025-06-17. Review status: criteria provided, single submitter. Criteria: Myriad Autosomal Dominant, Autosomal Recessive and X-Linked Classification Criteria (2023). Collection method: clinical testing. Allele origin: unknown.
Comment: NM_001079802.1(FKTN):c.620_621insA(F207Lfs*9) is expected to be pathogenic in the context of FKTN-related disorders. This variant is predicted to lead to an abnormal or absent protein product due to the creation of a premature termination codon in FKTN, a gene where loss-of-function variants are known to be pathogenic. Please note: this variant was assessed in the context of healthy population screening.

NM_001079802.2(FKTN):c.620_621insA (p.Phe207fs)

Gene: FKTN (fukutin; plus strand). Cytogenetic location: 9q31.2.
Variant type: Insertion.
Coding change: c.620_621insA on transcript NM_001079802.2 (MANE Select); coding-DNA positions 620 to 621, A inserted.
Protein change: p.Phe207fs; shifts the reading frame from phenylalanine 207.
Molecular consequence: frameshift variant. On other transcripts: non-coding transcript variant (2).
Genome position: GRCh38 VCF-style: chr9-105604465-T-TA. GRCh37 (hg19) VCF-style: chr9-108366746-T-TA.
Other names: c.620_621insA, p.Phe207fs (NM_001198963.2, NM_001351496.2, NM_001351498.2 and 1 more transcripts); c.551_552insA, p.Phe184fs (NM_001351497.2); c.224_225insA, p.Phe75fs (NM_001351499.2, NM_001351500.2, NM_001351501.2 and 1 more transcripts); short protein forms F184fs, F207fs, F75fs.
Identifiers: ClinVar variation 5014611 (VCV005014611.1).
Genomic context (GRCh38, chr9:105,604,465, plus strand): 5'-GCCACTTGAGACTTAAAGAACACATTGACAGGAAATTTGTTCCCTTCCGAAAGTTACAGT[T>TA]TGGTCGTTATCCAGGAGCTTTTGACAGGTAAGTTCAGAGTCAAAACGTGAAATGTGAAAT-3'